The following is an entry in ClinVar:

ClinVar aggregate classification (germline): Conflicting classifications of pathogenicity. Review status: criteria provided, conflicting classifications (1 of 4 stars). 7 submissions from 7 submitters: Uncertain significance (5); Likely benign (2). Last evaluated 2026-05-06.

Conditions:
Cardiovascular phenotype. Identifiers: MedGen CN230736.
ANKRD1-related disorder. Also called: ANKRD1-related condition.
Cardiomyopathy (CMYO). Also called: Cardiomyopathies. Identifiers: Orphanet 167848, MedGen C0878544, MONDO:0004994, HP:0001638. Inheritance: Various modes of inheritance.
ANKRD1-related dilated cardiomyopathy. Identifiers: MedGen CN119551.
Primary dilated cardiomyopathy (DCM). Also called: Dilated Cardiomyopathy. Identifiers: Orphanet 217604, MedGen C0007193, MeSH D002311, MONDO:0005021, HP:0001644. Inheritance: Various modes of inheritance.

Allele frequency attached by ClinVar (database versions not stated): ExAC 0.00003; gnomAD exomes 0.00003 and 0.00006; gnomAD 0.00004; TOPMed 0.00004; ESP Exome Variant Server 0.00023.
gnomAD v4.1: 98 of 1,613,838 alleles (0.0061%); highest among the groups gnomAD compares: Non-Finnish European, 0.0079%; no homozygotes.

Submissions (7):

PreventionGenetics, part of Exact Sciences
Classification: Uncertain significance for ANKRD1-related condition. Last evaluated: 2026-05-06. Review status: criteria provided, single submitter. Criteria: ACMG Guidelines, 2015. Collection method: clinical testing. Allele origin: germline.
Comment: The ANKRD1 c.838A>G variant is predicted to result in the amino acid substitution p.Ile280Val. This variant has been reported in the heterozygous state in multiple individuals with hypertrophic cardiomyopathy or dilated cardiomyopathy (Arimura et al. 2009. PubMed ID: 19608031; Table S3, Mazzarotto et al. 2020. PubMed ID: 31983221). This variant has also been reported in an individual with hypertrophic cardiomyopathy; however, they also carried a pathogenic MYBPC3 variant (Supplemental Table 2, Field et al. 2021. PubMed ID: 34400558). In vitro experimental studies using transfected cells and engineered heart tissues suggest this variant leads to abnormal protein localization with increased nuclear and cytoplasmic distribution in mature cardiomyocytes and prolongs relaxation time when the proteasome is inhibited (Arimura et al. 2009. PubMed ID: 19608031; Crocini et al. 2013. PubMed ID: 23572067). This variant is reported in 0.0062% of alleles in individuals of European (Non-Finnish) descent in gnomAD. At this time, the clinical significance of this variant is uncertain due to the absence of conclusive functional and genetic evidence.

Labcorp Genetics (formerly Invitae), Labcorp
Classification: Uncertain significance for ANKRD1-related dilated cardiomyopathy. Last evaluated: 2025-10-15. Review status: criteria provided, single submitter. Criteria: Invitae Variant Classification Sherloc (09022015). Collection method: clinical testing. Allele origin: germline.
Comment: This sequence change replaces isoleucine, which is neutral and non-polar, with valine, which is neutral and non-polar, at codon 280 of the ANKRD1 protein (p.Ile280Val). This variant is present in population databases (rs144770680, gnomAD 0.007%). This missense change has been observed in individual(s) with ANKRD1-related conditions (PMID: 19608031, 31983221). ClinVar contains an entry for this variant (Variation ID: 162746). Invitae Evidence Modeling of protein sequence and biophysical properties (such as structural, functional, and spatial information, amino acid conservation, physicochemical variation, residue mobility, and thermodynamic stability) indicates that this missense variant is not expected to disrupt ANKRD1 protein function with a negative predictive value of 80%. Experimental studies have shown that this missense change affects ANKRD1 function (PMID: 19608031, 23572067). In summary, the available evidence is currently insufficient to determine the role of this variant in disease. Therefore, it has been classified as a Variant of Uncertain Significance.

Ambry Genetics
Classification: Likely benign for Cardiovascular phenotype. Last evaluated: 2024-11-22. Review status: criteria provided, single submitter. Criteria: Ambry Variant Classification Scheme 2023. Collection method: clinical testing. Allele origin: germline.

GeneDx
Classification: Uncertain significance. Last evaluated: 2023-12-28. Review status: criteria provided, single submitter. Criteria: GeneDx Variant Classification Process June 2021. Collection method: clinical testing. Allele origin: germline. Affected: yes.
Comment: Reported in association with cardiomyopathy; however, specific clinical information was not provided (PMID: 19608031, 31983221, 28082330); In silico analysis supports that this missense variant does not alter protein structure/function; This variant is associated with the following publications: (PMID: 19608032, 23299917, 31983221, 34400558, 28082330, 23572067, 19608031)

Genetics and Molecular Pathology, SA Pathology
Classification: Uncertain significance for Primary dilated cardiomyopathy. Last evaluated: 2021-03-16. Review status: criteria provided, single submitter. Criteria: ACMG Guidelines, 2015. Collection method: clinical testing. Allele origin: germline. Affected: yes.

CHEO Genetics Diagnostic Laboratory, Children's Hospital of Eastern Ontario
Classification: Uncertain significance for Cardiomyopathy. Last evaluated: 2019-09-05. Review status: criteria provided, single submitter. Criteria: ACMG Guidelines, 2015. Collection method: clinical testing. Allele origin: germline.

Laboratory for Molecular Medicine, Mass General Brigham Personalized Medicine
Classification: Likely benign. Last evaluated: 2013-11-05. Review status: criteria provided, single submitter. Criteria: LMM Criteria. Collection method: clinical testing. Allele origin: germline. Observed: 2 variant alleles.
Comment: Ile280Val in exon 8 of ANKRD1: This variant is not expected to have clinical sig nificance due to a lack of conservation across species, including mammals. Of no te, the variant amino acid, valine (Val), has been identified in 7 other mammals (lemur, rat, mouse, horse, cow, alpaca, and opossum) despite high nearby amino acid conservation. In addition, computational analyses (AlignGVGD, PolyPhen2, SI FT) do not suggest a high likelihood of impact to the protein. Finally, it has b een identified in 3/8600 European American chromosomes from a broad population b y the NHLBI Exome Sequencing Project (dbSNP r s144770680). Ile280Val in exon 8 of ANKRD1 (rs144770680; allele frequency = 3/8 600) **

Literature cited by the submitters: PubMed 19608031 (cited by Labcorp Genetics (formerly Invitae), Labcorp and Laboratory for Molecular Medicine, Mass General Brigham Personalized Medicine); PubMed 31983221 (cited by Labcorp Genetics (formerly Invitae), Labcorp); PubMed 23572067 (cited by Labcorp Genetics (formerly Invitae), Labcorp and Laboratory for Molecular Medicine, Mass General Brigham Personalized Medicine).

NM_014391.3(ANKRD1):c.838A>G (p.Ile280Val)

Gene: ANKRD1 (ankyrin repeat domain 1; minus strand). Cytogenetic location: 10q23.31.
Variant type: single nucleotide variant.
Coding change: c.838A>G on transcript NM_014391.3 (MANE Select); coding-DNA position 838, A replaced by G.
Protein change: p.Ile280Val; replaces isoleucine 280 with valine.
Molecular consequence: missense variant.
Genome position (GRCh38, 1-based): chr10:90,915,554, T>C on the plus strand (A>G on the coding strand, the complement: ANKRD1 is on the minus strand). VCF-style: chr10-90915554-T-C. GRCh37 (hg19) VCF-style: chr10-92675311-T-C.
Other names: short protein forms I280V.
Identifiers: ClinVar variation 162746 (VCV000162746.22), dbSNP rs144770680, ClinGen allele CA175240.